The following is an entry in ClinVar:

NM_007294.4(BRCA1):c.891G>T (p.Met297Ile)

Gene: BRCA1 (BRCA1 DNA repair associated; minus strand). Cytogenetic location: 17q21.31.
Variant type: single nucleotide variant.
Coding change: c.891G>T on transcript NM_007294.4 (MANE Select); coding-DNA position 891, G replaced by T.
Protein change: p.Met297Ile; replaces methionine 297 with isoleucine.
Molecular consequence: missense variant. On other transcripts: initiator codon variant (2), intron variant (137).
Genome position (GRCh38, 1-based): chr17:43,094,640, C>A on the plus strand (G>T on the coding strand, the complement: BRCA1 is on the minus strand). VCF-style: chr17-43094640-C-A. GRCh37 (hg19) VCF-style: chr17-41246657-C-A.
Other names: c.678G>T, p.Met226Ile (NM_001407571.1, NM_001407899.1, NM_001407853.1 and 9 more transcripts); c.891G>T, p.Met297Ile (NM_001407581.1, NM_001407582.1, NM_001407583.1 and 30 more transcripts); c.888G>T, p.Met296Ile (NM_001407587.1, NM_001407590.1, NM_001407591.1 and 22 more transcripts); c.768G>T, p.Met256Ile (NM_001407648.1, NM_001407669.1, NM_001407674.1 and 19 more transcripts); c.765G>T, p.Met255Ile (NM_001407649.1, NM_001407670.1, NM_001407671.1 and 11 more transcripts); c.813G>T, p.Met271Ile (NM_001407653.1, NM_001407654.1, NM_001407655.1 and 4 more transcripts); c.750G>T, p.Met250Ile (NM_001407692.1, NM_001407694.1, NM_001407695.1 and 29 more transcripts); c.747G>T, p.Met249Ile (NM_001407740.1, NM_001407741.1, NM_001407838.1 and 20 more transcripts); and 40 more; short protein forms M297I, M250I, M169I, M208I, M227I, M230I, M249I, M186I.
Identifiers: ClinVar variation 812549 (VCV000812549.5), dbSNP rs80357103, ClinGen allele CA10600293.

ClinVar aggregate classification (germline): Benign (3 of 4 stars; one submission).

Conditions:
Breast-ovarian cancer, familial, susceptibility to, 1 (BROVCA1). Also called: OVARIAN CANCER, SUSCEPTIBILITY TO; BRCA1 Hereditary Breast and Ovarian Cancer. Identifiers: Orphanet 145, MedGen C2676676, MONDO:0011450, OMIM 604370. Disease mechanism: loss of function.

Submission:

Evidence-based Network for the Interpretation of Germline Mutant Alleles (ENIGMA)
Classification: Benign for Breast-ovarian cancer, familial, susceptibility to, 1. Last evaluated: 2019-06-18. Review status: reviewed by expert panel. Criteria: ENIGMA BRCA1/2 Classification Criteria (2017-06-29). Collection method: curation. Allele origin: germline.
Comment: IARC class based on posterior probability from multifactorial likelihood analysis, thresholds for class as per Plon et al. 2008 (PMID: 18951446). Class 1 based on posterior probability = 0.000632

Literature cited by the submitters: PubMed 31131967.